The following is an entry in ClinVar:

NM_000135.4(FANCA):c.2576G>C (p.Cys859Ser)

Gene: FANCA (FA complementation group A; minus strand). Cytogenetic location: 16q24.3.
Variant type: single nucleotide variant.
Coding change: c.2576G>C on transcript NM_000135.4 (MANE Select); coding-DNA position 2576, G replaced by C.
Protein change: p.Cys859Ser; replaces cysteine 859 with serine.
Molecular consequence: missense variant.
Genome position (GRCh38, 1-based): chr16:89,767,166, C>G on the plus strand (G>C on the coding strand, the complement: FANCA is on the minus strand). VCF-style: chr16-89767166-C-G. GRCh37 (hg19) VCF-style: chr16-89833574-C-G.
Other names: c.2576G>C, p.Cys859Ser (NM_001286167.3); short protein forms C859S.
Identifiers: ClinVar variation 3848093 (VCV003848093.1).

ClinVar aggregate classification (germline): Uncertain significance (1 of 4 stars; one submission).

Conditions:
Inborn genetic diseases. Identifiers: MedGen C0950123, MeSH D030342.

gnomAD v4.1: 14 of 1,613,226 alleles (0.00087%); highest among the groups gnomAD compares: South Asian, 0.014%; no homozygotes.

Submission:

Ambry Genetics
Classification: Uncertain significance for Inborn genetic diseases. Last evaluated: 2025-01-06. Review status: criteria provided, single submitter. Criteria: Ambry Variant Classification Scheme 2023. Collection method: clinical testing. Allele origin: germline.
Comment: The p.C859S variant (also known as c.2576G>C), located in coding exon 27 of the FANCA gene, results from a G to C substitution at nucleotide position 2576. The cysteine at codon 859 is replaced by serine, an amino acid with dissimilar properties. This amino acid position is conserved. In addition, this alteration is predicted to be tolerated by in silico analysis. Based on the available evidence, the clinical significance of this variant remains unclear.